The following is an entry in ClinVar:

NM_020911.2(PLXNA4):c.2203C>T (p.Arg735Cys)

Gene: PLXNA4 (plexin A4; minus strand). Cytogenetic location: 7q32.3.
Variant type: single nucleotide variant.
Coding change: c.2203C>T on transcript NM_020911.2 (MANE Select); coding-DNA position 2203, C replaced by T.
Protein change: p.Arg735Cys; replaces arginine 735 with cysteine.
Molecular consequence: missense variant.
Genome position (GRCh38, 1-based): chr7:132,211,038, G>A on the plus strand (C>T on the coding strand, the complement: PLXNA4 is on the minus strand). VCF-style: chr7-132211038-G-A. GRCh37 (hg19) VCF-style: chr7-131895797-G-A.
Other names: c.2203C>T, p.Arg735Cys (NM_001393897.1); short protein forms R735C.
Identifiers: ClinVar variation 3346825 (VCV003346825.1).

ClinVar aggregate classification (germline): Uncertain significance (0 of 4 stars; one submission).

Conditions:
PLXNA4-related disorder. Also called: PLXNA4-related condition.

Submission:

PreventionGenetics, part of Exact Sciences
Classification: Uncertain significance for PLXNA4-related condition. Last evaluated: 2024-06-28. Review status: no assertion criteria provided. Collection method: clinical testing. Allele origin: germline.
Comment: The PLXNA4 c.2203C>T variant is predicted to result in the amino acid substitution p.Arg735Cys. To our knowledge, this variant has not been reported in the literature or in a large population database, indicating this variant is rare. At this time, the clinical significance of this variant is uncertain due to the absence of conclusive functional and genetic evidence.